The following is an entry in ClinVar:

NM_000051.4(ATM):c.5186T>A (p.Val1729Asp)

Gene: ATM (ATM serine/threonine kinase; plus strand). Cytogenetic location: 11q22.3.
Variant type: single nucleotide variant.
Coding change: c.5186T>A on transcript NM_000051.4 (MANE Select); coding-DNA position 5186, T replaced by A.
Protein change: p.Val1729Asp; replaces valine 1729 with aspartic acid.
Molecular consequence: missense variant.
Genome position (GRCh38, 1-based): chr11:108,301,656, T>A. VCF-style: chr11-108301656-T-A. GRCh37 (hg19) VCF-style: chr11-108172383-T-A.
Other names: c.5186T>A, p.Val1729Asp (NM_001351834.2); short protein forms V1729D.
Identifiers: ClinVar variation 1721209 (VCV001721209.5), dbSNP rs1179068103, ClinGen allele CA382542122.

ClinVar aggregate classification (germline): Uncertain significance (1 of 4 stars; one submission).

Conditions:
Ataxia-telangiectasia syndrome (AT). Also called: Ataxia-telangiectasia, complementation group D; Ataxia telangiectasia (A-T); ATAXIA-TELANGIECTASIA, COMPLEMENTATION GROUP A; LOUIS-BAR SYNDROME; Cerebello-oculocutaneous telangiectasia; Immunodeficiency with ataxia telangiectasia. Identifiers: Orphanet 100, MedGen C0004135, MONDO:0008840, OMIM 208900.

Submission:

Labcorp Genetics (formerly Invitae), Labcorp
Classification: Uncertain significance for Ataxia-telangiectasia syndrome. Last evaluated: 2022-10-07. Review status: criteria provided, single submitter. Criteria: Invitae Variant Classification Sherloc (09022015). Collection method: clinical testing. Allele origin: germline.
Comment: This sequence change replaces valine, which is neutral and non-polar, with aspartic acid, which is acidic and polar, at codon 1729 of the ATM protein (p.Val1729Asp). This variant is not present in population databases (gnomAD no frequency). In summary, the available evidence is currently insufficient to determine the role of this variant in disease. Therefore, it has been classified as a Variant of Uncertain Significance. Algorithms developed to predict the effect of missense changes on protein structure and function (SIFT, PolyPhen-2, Align-GVGD) all suggest that this variant is likely to be disruptive. This variant has not been reported in the literature in individuals affected with ATM-related conditions.